The following is an entry in ClinVar:

ClinVar aggregate classification (germline): Pathogenic/Likely pathogenic. Review status: criteria provided, multiple submitters, no conflicts (2 of 4 stars). 2 submissions from 2 submitters: Pathogenic (1); Likely pathogenic (1). Last evaluated 2025-03-27.

Conditions:
Polycystic kidney disease 4 (PKD4). Also called: POLYCYSTIC KIDNEY AND HEPATIC DISEASE 1; POLYCYSTIC KIDNEY DISEASE, INFANTILE, TYPE I; PKD3; POLYCYSTIC KIDNEY DISEASE 4 WITH OR WITHOUT POLYCYSTIC LIVER DISEASE; Autosomal Recessive Polycystic Kidney Disease – PKHD1. Identifiers: MedGen C4540575, MONDO:0033004, OMIM 263200.

Submissions (2):

Myriad Genetics, Inc.
Classification: Pathogenic for Polycystic kidney disease 4. Last evaluated: 2025-03-27. Review status: criteria provided, single submitter. Criteria: Myriad Autosomal Dominant, Autosomal Recessive and X-Linked Classification Criteria (2023). Collection method: clinical testing. Allele origin: unknown.
Comment: NM_138694.3(PKHD1):c.1474C>T(Q492*) is expected to be pathogenic in the context of autosomal recessive polycystic kidney disease, PKHD1-related. This variant is predicted to lead to an abnormal or absent protein product due to the creation of a premature termination codon in PKHD1, a gene where loss-of-function variants are known to be pathogenic. Please note: this variant was assessed in the context of healthy population screening.

Baylor Genetics
Classification: Likely pathogenic for Polycystic kidney disease 4. Last evaluated: 2023-07-04. Review status: criteria provided, single submitter. Criteria: ACMG Guidelines, 2015. Collection method: clinical testing. Allele origin: unknown.

NM_138694.4(PKHD1):c.1474C>T (p.Gln492Ter)

Gene: PKHD1 (PKHD1 ciliary IPT domain containing fibrocystin/polyductin; minus strand). Cytogenetic location: 6p12.2.
Variant type: single nucleotide variant.
Coding change: c.1474C>T on transcript NM_138694.4 (MANE Select); coding-DNA position 1474, C replaced by T.
Protein change: p.Gln492Ter; replaces glutamine 492 with a stop codon.
Molecular consequence: nonsense.
Genome position (GRCh38, 1-based): chr6:52,058,361, G>A on the plus strand (C>T on the coding strand, the complement: PKHD1 is on the minus strand). VCF-style: chr6-52058361-G-A. GRCh37 (hg19) VCF-style: chr6-51923159-G-A.
Other names: c.1474C>T, p.Gln492Ter (NM_170724.3); short protein forms Q492*.
Identifiers: ClinVar variation 2677799 (VCV002677799.2), dbSNP rs2533366926, ClinGen allele CA364426038.